The following is an entry in ClinVar:

ClinVar aggregate classification (germline): Likely benign (1 of 4 stars; one submission).

gnomAD v4.1: 130 of 1,613,416 alleles (0.0081%); highest among the groups gnomAD compares: African/African-American, 0.12%; no homozygotes.

Submission:

Women's Health and Genetics/Laboratory Corporation of America, LabCorp
Classification: Likely benign. Last evaluated: 2024-06-12. Review status: criteria provided, single submitter. Criteria: LabCorp Variant Classification Summary - May 2015. Collection method: clinical testing. Allele origin: germline.
Comment: Variant summary: IGF2 c.-11005G>A is located in the untranscribed region upstream of the IGF2 gene region. The variant was detected at a frequency of 8.1e-05 in 1613416 control chromosomes, predominantly in the African or African-American population at a frequency of 0.0012 in 75054 control chromosomes. The observed variant frequency within African or African-American control individuals in the gnomAD database exceeds the estimated maximal expected allele frequency for a pathogenic variant in IGF2 causing Silver-Russell Syndrome 1 phenotype. To our knowledge, no occurrence of c.-11005G>A in individuals affected with Silver-Russell Syndrome 1 and no experimental evidence demonstrating its impact on protein function have been reported. No submitters have cited clinical-significance assessments for this variant to ClinVar. Based on the evidence outlined above, the variant was classified as likely benign.

NM_001007139.6(IGF2):c.-350G>A

Genes: IGF2 (insulin like growth factor 2; minus strand), INS-IGF2 (INS-IGF2 readthrough; minus strand). Cytogenetic location: 11p15.5.
Variant type: single nucleotide variant.
Coding change: c.-350G>A on transcript NM_001007139.6; 350 bases upstream of the start codon, G replaced by A.
Molecular consequence: 5 prime UTR variant. On other transcripts: synonymous variant (1), non-coding transcript variant (1), genic upstream transcript variant (1).
Genome position (GRCh38, 1-based): chr11:2,149,227, C>T on the plus strand (G>A on the coding strand, the complement: IGF2 is on the minus strand). VCF-style: chr11-2149227-C-T. GRCh37 (hg19) VCF-style: chr11-2170457-C-T.
Other names: c.306G>A, p.Ser102= (NM_001042376.3); c.-11005G>A (NM_000612.6).
Identifiers: ClinVar variation 3339595 (VCV003339595.1).